The following is an entry in ClinVar:

ClinVar aggregate classification (germline): Conflicting classifications of pathogenicity. Review status: criteria provided, conflicting classifications (1 of 4 stars). 4 submissions from 4 submitters: Likely pathogenic (2); Uncertain significance (2). Last evaluated 2023-12-11.

Conditions:
Malaria, susceptibility to. Identifiers: Orphanet 673, MedGen C1970028, MONDO:0021024, OMIM 611162.
Anemia, nonspherocytic hemolytic, due to G6PD deficiency (CNSHA1). Also called: ANEMIA, CONGENITAL, NONSPHEROCYTIC HEMOLYTIC, 1; Hemolytic anemia due to G6PD deficiency; Class I glucose-6-phosphate dehydrogenase deficiency; Favism, susceptibility to. Identifiers: Orphanet 466026, MedGen C2720289, MONDO:0010480, OMIM 300908.

Allele frequency attached by ClinVar (database versions not stated): gnomAD exomes below 0.00001; ExAC 0.00002; gnomAD 0.00002; 1000 Genomes Project 30x 0.00021; 1000 Genomes Project 0.00026.
gnomAD v4.1: 7 of 1,209,214 alleles (0.00058%); highest among the groups gnomAD compares: African/African-American, 0.0053%; no homozygotes.

Submissions (4):

GeneDx
Classification: Uncertain significance. Last evaluated: 2023-12-11. Review status: criteria provided, single submitter. Criteria: GeneDx Variant Classification Process June 2021. Collection method: clinical testing. Allele origin: germline. Affected: yes.
Comment: Also known as G6PD Sibari; In silico analysis supports that this missense variant has a deleterious effect on protein structure/function; This variant is associated with the following publications: (PMID: 35313643, 8364584, 27391121, 34272389, 34551338, 26753754, 22293322, 8447319, 23006493)

Baylor Genetics
Classification: Likely pathogenic for Malaria, susceptibility to. Last evaluated: 2022-12-22. Review status: criteria provided, single submitter. Criteria: ACMG Guidelines, 2015. Collection method: clinical testing. Allele origin: unknown.

Dunham Lab, University of Washington
Classification: Likely pathogenic for Anemia, nonspherocytic hemolytic, due to G6PD deficiency. Last evaluated: 2022-08-12. Review status: criteria provided, single submitter. Criteria: Bayesian ACMG Guidelines, 2018. Collection method: curation. Allele origin: unknown. Affected: yes.
Comment: Variant found in unrelated patients with deficiency (PS4_M, PP4). Decreased activity in red blood cells of hemizygotes (13-20%) (PS3). Below expected carrier frequency in gnomAD (PM2). Post_P 0.988 (odds of pathogenicity 729.3, Prior_P 0.1).

Revvity Omics, Revvity
Classification: Uncertain significance for Anemia, nonspherocytic hemolytic, due to G6PD deficiency. Last evaluated: 2022-03-22. Review status: criteria provided, single submitter. Criteria: ACMG Guidelines, 2015. Collection method: clinical testing. Allele origin: germline.

Literature cited by the submitters: PubMed 23006493 (cited by Dunham Lab, University of Washington); PubMed 8447319 (cited by Dunham Lab, University of Washington).

NM_001360016.2(G6PD):c.634A>G (p.Met212Val)

Gene: G6PD (glucose-6-phosphate dehydrogenase; minus strand). Cytogenetic location: Xq28.
Variant type: single nucleotide variant.
Coding change: c.634A>G on transcript NM_001360016.2 (MANE Select); coding-DNA position 634, A replaced by G.
Protein change: p.Met212Val; replaces methionine 212 with valine.
Molecular consequence: missense variant.
Genome position (GRCh38, 1-based): chrX:154,534,348, T>C on the plus strand (A>G on the coding strand, the complement: G6PD is on the minus strand). VCF-style: chrX-154534348-T-C. GRCh37 (hg19) VCF-style: chrX-153762563-T-C.
Other names: G6PD Sibari; c.724A>G, p.Met242Val (NM_000402.4); c.634A>G, p.Met212Val (NM_001042351.3); short protein forms M212V, M242V.
Identifiers: ClinVar variation 1722746 (VCV001722746.7), dbSNP rs782754619, ClinGen allele CA10566206.